The following is an entry in ClinVar:

NM_000163.5(GHR):c.744del (p.Leu247_Tyr248insTer)

Gene: GHR (growth hormone receptor; plus strand). Cytogenetic location: 5p12.
Variant type: Deletion.
Coding change: c.744del on transcript NM_000163.5 (MANE Select); coding-DNA position 744, one base deleted (T; older notation c.744delT).
Protein change: p.Leu247_Tyr248insTer.
Molecular consequence: nonsense. On other transcripts: frameshift variant (1).
Genome position (GRCh38, 1-based): chr5:42,711,332, T deleted. VCF-style (leftmost placement, unchanged base first): chr5-42711331-AT-A. GRCh37 (hg19) VCF-style: chr5-42711433-AT-A.
Other names: c.678delT, p.Tyr226Terfs (NM_001242460.2); c.744del, p.Leu247_Tyr248insTer (NM_001242462.1, NM_001242400.2, NM_001242401.4 and 5 more transcripts); c.765del, p.Leu254_Tyr255insTer (NM_001242399.2).
Identifiers: ClinVar variation 2734728 (VCV002734728.3), dbSNP rs2530742546, ClinGen allele CA2695204471.
Genomic context (GRCh38, chr5:42,711,331, plus strand): 5'-TGCGTGTGAGATCCAAACAACGAAACTCTGGAAATTATGGCGAGTTCAGTGAGGTGCTCT[AT>A]GTAACACTTCCTCAGATGAGCCAATTTACATGTGAAGAAGGTAAAAGAAATAAAAGATTA-3'

ClinVar aggregate classification (germline): Pathogenic (1 of 4 stars; one submission).

Submission:

Labcorp Genetics (formerly Invitae), Labcorp
Classification: Pathogenic. Last evaluated: 2024-01-14. Review status: criteria provided, single submitter. Criteria: Invitae Variant Classification Sherloc (09022015). Collection method: clinical testing. Allele origin: germline.
Comment: This sequence change creates a premature translational stop signal (p.Tyr248*) in the GHR gene. It is expected to result in an absent or disrupted protein product. Loss-of-function variants in GHR are known to be pathogenic (PMID: 1999489, 8488849). This variant is not present in population databases (gnomAD no frequency). This premature translational stop signal has been observed in individual(s) with Laron syndrome (PMID: 15473594). Algorithms developed to predict the effect of sequence changes on RNA splicing suggest that this variant may disrupt the consensus splice site. For these reasons, this variant has been classified as Pathogenic.

Literature cited by the submitters: PubMed 1999489; PubMed 8488849; PubMed 15473594.